The following is an entry in ClinVar:

ClinVar aggregate classification (germline): Uncertain significance (1 of 4 stars; one submission).

Conditions:
Familial thoracic aortic aneurysm and aortic dissection (TAAD). Also called: Thoracic aortic aneurysms and dissections. Identifiers: Orphanet 91387, MedGen C4707243, MONDO:0019625.

Allele frequency attached by ClinVar (database versions not stated): TOPMed below 0.00001; gnomAD exomes 0.00001; ExAC 0.00002.
gnomAD v4.1: 6 of 1,611,076 alleles (0.00037%); highest among the groups gnomAD compares: East Asian, 0.013%; no homozygotes.

Submission:

Ambry Genetics
Classification: Uncertain significance for Familial thoracic aortic aneurysm and aortic dissection. Last evaluated: 2022-11-02. Review status: criteria provided, single submitter. Criteria: Ambry Variant Classification Scheme 2023. Collection method: clinical testing. Allele origin: germline.
Comment: The p.Y308S variant (also known as c.923A>C), located in coding exon 5 of the TGFB2 gene, results from an A to C substitution at nucleotide position 923. The tyrosine at codon 308 is replaced by serine, an amino acid with dissimilar properties. This amino acid position is conserved. In addition, the in silico prediction for this alteration is inconclusive. Since supporting evidence is limited at this time, the clinical significance of this alteration remains unclear.

NM_003238.6(TGFB2):c.923A>C (p.Tyr308Ser)

Gene: TGFB2 (transforming growth factor beta 2; plus strand). Cytogenetic location: 1q41.
Variant type: single nucleotide variant.
Coding change: c.923A>C on transcript NM_003238.6 (MANE Select); coding-DNA position 923, A replaced by C.
Protein change: p.Tyr308Ser; replaces tyrosine 308 with serine.
Molecular consequence: missense variant. On other transcripts: non-coding transcript variant (2).
Genome position (GRCh38, 1-based): chr1:218,436,138, A>C. VCF-style: chr1-218436138-A-C. GRCh37 (hg19) VCF-style: chr1-218609480-A-C.
Other names: c.1007A>C, p.Tyr336Ser (NM_001135599.4); short protein forms Y336S, Y308S.
Identifiers: ClinVar variation 2452015 (VCV002452015.2), dbSNP rs750774144, ClinGen allele CA1398624.
Genomic context (GRCh38, chr1:218,436,138, plus strand): 5'-CCTACAGACTTGAGTCACAACAGACCAACCGGCGGAAGAAGCGTGCTTTGGATGCGGCCT[A>C]TTGCTTTAGGTAAAGGAAAGAAAAGTAAAACCAAGTAATTGCATCTGTTAACTCTTAAAC-3'
Protein context (NP_003229.1, residues 298-318): RRKKRALDAA[Tyr308Ser]CFRNVQDNCC